The following is an entry in ClinVar:

ClinVar aggregate classification (germline): Benign (1 of 4 stars; one submission).

Allele frequency attached by ClinVar (database versions not stated): gnomAD 0.02050 and 0.02189; TOPMed 0.02311; 1000 Genomes Project 0.02356; 1000 Genomes Project 30x 0.02717.
gnomAD v4.1: 3,080 of 152,210 alleles (2%); highest among the groups gnomAD compares: African/African-American, 7.1%; 102 homozygotes.

Submission:

GeneDx
Classification: Benign. Last evaluated: 2018-06-19. Review status: criteria provided, single submitter. Criteria: GeneDx Variant Classification (06012015). Collection method: clinical testing. Allele origin: germline. Affected: yes.
Comment: This variant is considered likely benign or benign based on one or more of the following criteria: it is a conservative change, it occurs at a poorly conserved position in the protein, it is predicted to be benign by multiple in silico algorithms, and/or has population frequency not consistent with disease.

NM_001037.5(SCN1B):c.208-320T>C

Gene: SCN1B (sodium voltage-gated channel beta subunit 1; plus strand). Cytogenetic location: 19q13.11.
Variant type: single nucleotide variant.
Coding change: c.208-320T>C on transcript NM_001037.5 (MANE Select); 320 bases into the intron before coding-DNA position 208, T replaced by C.
Molecular consequence: intron variant.
Genome position (GRCh38, 1-based): chr19:35,033,179, T>C. VCF-style: chr19-35033179-T-C. GRCh37 (hg19) VCF-style: chr19-35524083-T-C.
Other names: c.208-320T>C (NM_199037.5); c.109-320T>C (NM_001321605.2).
Identifiers: ClinVar variation 669949 (VCV000669949.1), dbSNP rs56158208, ClinGen allele CA307703524.